The following is an entry in ClinVar:

ClinVar aggregate classification (germline): Likely benign. Review status: criteria provided, multiple submitters, no conflicts (2 of 4 stars). 3 submissions from 3 submitters: Likely benign (3). Last evaluated 2025-03-30.

Conditions:
Ehlers-Danlos syndrome, type 4 (EDSVASC). Also called: Ehlers-Danlos syndrome vascular type; Ehlers Danlos syndrome, ecchymotic type; Ehlers Danlos syndrome, arterial type; Ehlers Danlos syndrome, Sack-Barabas type; Ehlers-Danlos Syndrome Type IV. Identifiers: Orphanet 286, MedGen C0268338, MONDO:0017314, OMIM 130050.
Familial thoracic aortic aneurysm and aortic dissection (TAAD). Also called: Thoracic aortic aneurysms and dissections. Identifiers: Orphanet 91387, MedGen C4707243, MONDO:0019625.

Allele frequency attached by ClinVar (database versions not stated): gnomAD exomes below 0.00001; ExAC 0.00001.
gnomAD v4.1: 6 of 1,611,606 alleles (0.00037%); highest among the groups gnomAD compares: Non-Finnish European, 0.00051%; no homozygotes.

Submissions (3):

Labcorp Genetics (formerly Invitae), Labcorp
Classification: Likely benign for Ehlers-Danlos syndrome, type 4. Last evaluated: 2025-03-30. Review status: criteria provided, single submitter. Criteria: Invitae Variant Classification Sherloc (09022015). Collection method: clinical testing. Allele origin: germline.

All of Us Research Program, National Institutes of Health
Classification: Likely benign for Ehlers-Danlos syndrome, type 4. Last evaluated: 2024-05-14. Review status: criteria provided, single submitter. Criteria: ACMG Guidelines, 2015. Collection method: clinical testing. Allele origin: germline. Inheritance: Autosomal dominant inheritance. Observed: 3 variant alleles, 3 heterozygotes.
Comment: This study involves interpretation of variants in research participants for the purpose of population health screening. Participant phenotype was not available at the time of variant classification. Additional details can be found in publication PMID: 35346344, PMCID: PMC8962531

Color Diagnostics, LLC DBA Color Health
Classification: Likely benign for Familial thoracic aortic aneurysm and aortic dissection. Last evaluated: 2024-02-14. Review status: criteria provided, single submitter. Criteria: ACMG Guidelines, 2015. Collection method: clinical testing. Allele origin: germline.

NM_000090.4(COL3A1):c.390G>T (p.Gly130=)

Gene: COL3A1 (collagen type III alpha 1 chain; plus strand). Cytogenetic location: 2q32.2.
Variant type: single nucleotide variant.
Coding change: c.390G>T on transcript NM_000090.4 (MANE Select); coding-DNA position 390, G replaced by T.
Protein change: p.Gly130=; no amino-acid change (glycine 130 retained).
Molecular consequence: synonymous variant.
Genome position (GRCh38, 1-based): chr2:188,985,721, G>T. VCF-style: chr2-188985721-G-T. GRCh37 (hg19) VCF-style: chr2-189850447-G-T.
Identifiers: ClinVar variation 1565316 (VCV001565316.10), dbSNP rs771480377, ClinGen allele CA076356.